The following is an entry in ClinVar:

NM_001365999.1(SZT2):c.1770-11C>T

Gene: SZT2 (SZT2 subunit of KICSTOR complex; plus strand). Cytogenetic location: 1p34.2.
Variant type: single nucleotide variant.
Coding change: c.1770-11C>T on transcript NM_001365999.1 (MANE Select); 11 bases into the intron before coding-DNA position 1770, C replaced by T.
Molecular consequence: intron variant.
Genome position (GRCh38, 1-based): chr1:43,422,469, C>T. VCF-style: chr1-43422469-C-T. GRCh37 (hg19) VCF-style: chr1-43888140-C-T.
Other names: c.1770-11C>T (NM_015284.4).
Identifiers: ClinVar variation 379739 (VCV000379739.7), dbSNP rs756655876, ClinGen allele CA808513.

ClinVar aggregate classification (germline): Likely benign. Review status: criteria provided, multiple submitters, no conflicts (2 of 4 stars). 4 submissions from 4 submitters: Likely benign (4). Last evaluated 2024-06-24.

Conditions:
Developmental and epileptic encephalopathy, 18 (DEE18). Also called: Early infantile epileptic encephalopathy 18. Identifiers: Orphanet 369894, MedGen C3809624, MONDO:0014201, OMIM 615476.

Allele frequency attached by ClinVar (database versions not stated): gnomAD below 0.00001 and 0.00003; gnomAD exomes 0.00006 and 0.00013; ExAC 0.00012.
gnomAD v4.1: 95 of 1,571,476 alleles (0.006%); highest among the groups gnomAD compares: South Asian, 0.1%; 1 homozygote.

Submissions (4):

Labcorp Genetics (formerly Invitae), Labcorp
Classification: Likely benign. Last evaluated: 2024-06-24. Review status: criteria provided, single submitter. Criteria: Invitae Variant Classification Sherloc (09022015). Collection method: clinical testing. Allele origin: germline.

Genome-Nilou Lab
Classification: Likely benign for Developmental and epileptic encephalopathy, 18. Last evaluated: 2023-04-11. Review status: criteria provided, single submitter. Criteria: ACMG Guidelines, 2015. Collection method: clinical testing. Allele origin: germline. Affected: no.

Blueprint Genetics
Classification: Likely benign. Last evaluated: 2022-09-07. Review status: criteria provided, single submitter. Criteria: ACMG Guidelines, 2015. Collection method: clinical testing. Allele origin: germline.

GeneDx
Classification: Likely benign. Last evaluated: 2015-05-12. Review status: criteria provided, single submitter. Criteria: GeneDx Variant Classification (06012015). Collection method: clinical testing. Allele origin: germline. Affected: yes.
Comment: This variant is considered likely benign or benign based on one or more of the following criteria: it is a conservative change, it occurs at a poorly conserved position in the protein, it is predicted to be benign by multiple in silico algorithms, and/or has population frequency not consistent with disease.